The following is an entry in ClinVar:

ClinVar aggregate classification (germline): Uncertain significance (1 of 4 stars; one submission).

Allele frequency attached by ClinVar (database versions not stated): gnomAD 0.00001 and 0.00002; TOPMed 0.00001; gnomAD exomes 0.00003 and 0.00007; ExAC 0.00009.

Submission:

Labcorp Genetics (formerly Invitae), Labcorp
Classification: Uncertain significance. Last evaluated: 2021-09-01. Review status: criteria provided, single submitter. Criteria: Invitae Variant Classification Sherloc (09022015). Collection method: clinical testing. Allele origin: germline.
Comment: This sequence change replaces serine with asparagine at codon 228 of the SLC34A3 protein (p.Ser228Asn). The serine residue is weakly conserved and there is a small physicochemical difference between serine and asparagine. This variant is present in population databases (rs754361051, ExAC 0.04%). This variant has not been reported in the literature in individuals affected with SLC34A3-related conditions. Algorithms developed to predict the effect of missense changes on protein structure and function output the following: SIFT: "Tolerated"; PolyPhen-2: "Benign"; Align-GVGD: "Class C0". The asparagine amino acid residue is found in multiple mammalian species, which suggests that this missense change does not adversely affect protein function. In summary, the available evidence is currently insufficient to determine the role of this variant in disease. Therefore, it has been classified as a Variant of Uncertain Significance.

NM_001177316.2(SLC34A3):c.683G>A (p.Ser228Asn)

Gene: SLC34A3 (solute carrier family 34 member 3; plus strand). Cytogenetic location: 9q34.3.
Variant type: single nucleotide variant.
Coding change: c.683G>A on transcript NM_001177316.2 (MANE Select); coding-DNA position 683, G replaced by A.
Protein change: p.Ser228Asn; replaces serine 228 with asparagine.
Molecular consequence: missense variant.
Genome position (GRCh38, 1-based): chr9:137,233,331, G>A. VCF-style: chr9-137233331-G-A. GRCh37 (hg19) VCF-style: chr9-140127783-G-A.
Other names: c.683G>A, p.Ser228Asn (NM_001177317.2, NM_080877.3); short protein forms S228N.
Identifiers: ClinVar variation 1009432 (VCV001009432.2), dbSNP rs754361051, ClinGen allele CA5364523.